The following is an entry in ClinVar:

NM_000551.4(VHL):c.269A>C (p.Asn90Thr)

Gene: VHL (von Hippel-Lindau tumor suppressor; plus strand). Cytogenetic location: 3p25.3.
Variant type: single nucleotide variant.
Coding change: c.269A>C on transcript NM_000551.4 (MANE Select); coding-DNA position 269, A replaced by C.
Protein change: p.Asn90Thr; replaces asparagine 90 with threonine.
Molecular consequence: missense variant.
Genome position (GRCh38, 1-based): chr3:10,142,116, A>C. VCF-style: chr3-10142116-A-C. GRCh37 (hg19) VCF-style: chr3-10183800-A-C.
Other names: c.269A>C, p.Asn90Thr (NM_001354723.2, NM_198156.3); short protein forms N90T.
Identifiers: ClinVar variation 456578 (VCV000456578.9), dbSNP rs143985153, ClinGen allele CA351750709.

ClinVar aggregate classification (germline): Uncertain significance (1 of 4 stars; one submission).

Conditions:
Von Hippel-Lindau syndrome (VHLS). Also called: Von Hippel-Lindau; von Hippel–Lindau syndrome; VHL syndrome. Identifiers: Orphanet 892, MedGen C0019562, MONDO:0008667, OMIM 193300. Disease mechanism: loss of function.
Chuvash polycythemia. Also called: POLYCYTHEMIA, VHL-DEPENDENT. Identifiers: Orphanet 238557, MedGen C1837915, MONDO:0009892, OMIM 263400.

Submission:

Labcorp Genetics (formerly Invitae), Labcorp
Classification: Uncertain significance for Von Hippel-Lindau syndrome; Chuvash polycythemia. Last evaluated: 2024-01-04. Review status: criteria provided, single submitter. Criteria: Invitae Variant Classification Sherloc (09022015). Collection method: clinical testing. Allele origin: germline.
Comment: This sequence change replaces asparagine, which is neutral and polar, with threonine, which is neutral and polar, at codon 90 of the VHL protein (p.Asn90Thr). This variant is not present in population databases (gnomAD no frequency). This variant has not been reported in the literature in individuals affected with VHL-related conditions. ClinVar contains an entry for this variant (Variation ID: 456578). Advanced modeling of protein sequence and biophysical properties (such as structural, functional, and spatial information, amino acid conservation, physicochemical variation, residue mobility, and thermodynamic stability) performed at Invitae indicates that this missense variant is expected to disrupt VHL protein function with a positive predictive value of 95%. This variant disrupts the p.Asn90 amino acid residue in VHL. Other variant(s) that disrupt this residue have been determined to be pathogenic (PMID: 10761708, 10823831, 27527340, 31317677, 36401171). This suggests that this residue is clinically significant, and that variants that disrupt this residue are likely to be disease-causing. In summary, the available evidence is currently insufficient to determine the role of this variant in disease. Therefore, it has been classified as a Variant of Uncertain Significance.

Literature cited by the submitters: PubMed 10761708; PubMed 10823831; PubMed 27527340; PubMed 31317677; PubMed 36401171.